The following is an entry in ClinVar:

NM_000051.4(ATM):c.6982C>T (p.Pro2328Ser)

Genes: ATM (ATM serine/threonine kinase; plus strand), C11orf65 (chromosome 11 open reading frame 65; minus strand). Cytogenetic location: 11q22.3.
Variant type: single nucleotide variant.
Coding change: c.6982C>T on transcript NM_000051.4 (MANE Select); coding-DNA position 6982, C replaced by T.
Protein change: p.Pro2328Ser; replaces proline 2328 with serine.
Molecular consequence: missense variant. On other transcripts: intron variant (2).
Genome position (GRCh38, 1-based): chr11:108,327,651, C>T. VCF-style: chr11-108327651-C-T. GRCh37 (hg19) VCF-style: chr11-108198378-C-T.
Other names: c.6982C>T, p.Pro2328Ser (NM_001351834.2); c.641-18580G>A (NM_001330368.2); c.*38+7569G>A (NM_001351110.2); short protein forms P2328S.
Identifiers: ClinVar variation 826749 (VCV000826749.9), dbSNP rs769606850, ClinGen allele CA6266051.

ClinVar aggregate classification (germline): Uncertain significance. Review status: criteria provided, multiple submitters, no conflicts (2 of 4 stars). 2 submissions from 2 submitters: Uncertain significance (2). Last evaluated 2023-09-23.

Conditions:
Hereditary cancer-predisposing syndrome. Also called: Tumor predisposition; Neoplastic Syndromes, Hereditary; Hereditary Cancer Syndrome; Hereditary neoplastic syndrome. Identifiers: Orphanet 140162, MedGen C0027672, MeSH D009386, MONDO:0015356.
Ataxia-telangiectasia syndrome (AT). Also called: ATAXIA-TELANGIECTASIA, COMPLEMENTATION GROUP A; ATAXIA-TELANGIECTASIA, FRESNO VARIANT; Ataxia-telangiectasia; Ataxia-telangiectasia, complementation group D; AT, COMPLEMENTATION GROUP C; Ataxia-telangiectasia, complementation group E. Identifiers: Orphanet 100, MedGen C0004135, MONDO:0008840, OMIM 208900.

Allele frequency attached by ClinVar (database versions not stated): ExAC 0.00001; gnomAD exomes 0.00001.
gnomAD v4.1: 5 of 1,613,446 alleles (0.00031%); highest among the groups gnomAD compares: South Asian, 0.0055%; no homozygotes.

Submissions (2):

Labcorp Genetics (formerly Invitae), Labcorp
Classification: Uncertain significance for Ataxia-telangiectasia syndrome. Last evaluated: 2023-09-23. Review status: criteria provided, single submitter. Criteria: Invitae Variant Classification Sherloc (09022015). Collection method: clinical testing. Allele origin: germline.
Comment: This sequence change replaces proline, which is neutral and non-polar, with serine, which is neutral and polar, at codon 2328 of the ATM protein (p.Pro2328Ser). This variant is present in population databases (rs769606850, gnomAD 0.006%). This variant has not been reported in the literature in individuals affected with ATM-related conditions. ClinVar contains an entry for this variant (Variation ID: 826749). Algorithms developed to predict the effect of missense changes on protein structure and function output the following: SIFT: "Not Available"; PolyPhen-2: "Benign"; Align-GVGD: "Not Available". The serine amino acid residue is found in multiple mammalian species, which suggests that this missense change does not adversely affect protein function. In summary, the available evidence is currently insufficient to determine the role of this variant in disease. Therefore, it has been classified as a Variant of Uncertain Significance.

Ambry Genetics
Classification: Uncertain significance for Hereditary cancer-predisposing syndrome. Last evaluated: 2018-08-17. Review status: criteria provided, single submitter. Criteria: Ambry Variant Classification Scheme 2023. Collection method: clinical testing. Allele origin: germline.
Comment: The p.P2328S variant (also known as c.6982C>T), located in coding exon 47 of the ATM gene, results from a C to T substitution at nucleotide position 6982. The proline at codon 2328 is replaced by serine, an amino acid with similar properties. This amino acid position is poorly conserved in available vertebrate species. In addition, this alteration is predicted to be tolerated by in silico analysis. Since supporting evidence is limited at this time, the clinical significance of this alteration remains unclear.